The following is an entry in ClinVar:

NM_000038.6(APC):c.1322_1331del (p.Pro441fs)

Gene: APC (APC regulator of Wnt signaling pathway; plus strand). Cytogenetic location: 5q22.2.
Variant type: Deletion.
Coding change: c.1322_1331del on transcript NM_000038.6 (MANE Select); coding-DNA positions 1322 to 1331, 10 bases deleted (CTGTTGAACA; older notation c.1322_1331delCTGTTGAACA).
Protein change: p.Pro441fs; shifts the reading frame from proline 441.
Molecular consequence: frameshift variant.
Genome position (GRCh38, 1-based): chr5:112,821,905-112,821,914, CTGTTGAACA deleted. VCF-style (leftmost placement, unchanged base first): chr5-112821904-CCTGTTGAACA-C. GRCh37 (hg19) VCF-style: chr5-112157601-CCTGTTGAACA-C.
Other names: c.1322_1331del, p.Pro441fs (NM_001127510.3, NM_001354895.2, NM_001354896.2); c.1268_1277del, p.Pro423fs (NM_001127511.3); c.1352_1361del, p.Pro451fs (NM_001354897.2); c.1247_1256del, p.Pro416fs (NM_001354898.2); c.1238_1247del, p.Pro413fs (NM_001354899.2); c.1145_1154del, p.Pro382fs (NM_001354900.2, NM_001354901.2); c.1049_1058del, p.Pro350fs (NM_001354902.2); c.1019_1028del, p.Pro340fs (NM_001354903.2); and 3 more; short protein forms P281fs, P413fs, P158fs, P315fs, P350fs, P416fs, P423fs, P382fs.
Identifiers: ClinVar variation 1428517 (VCV001428517.6), dbSNP rs2149791883, ClinGen allele CA2573138834.

ClinVar aggregate classification (germline): Pathogenic (1 of 4 stars; one submission).

Conditions:
Familial adenomatous polyposis 1 (FAP1). Also called: POLYPOSIS, ADENOMATOUS INTESTINAL; FAMILIAL ADENOMATOUS POLYPOSIS 1, ATTENUATED. Identifiers: MedGen C2713442, MONDO:0021056, OMIM 175100. Disease mechanism: loss of function.

Submission:

Labcorp Genetics (formerly Invitae), Labcorp
Classification: Pathogenic for Familial adenomatous polyposis 1. Last evaluated: 2020-12-20. Review status: criteria provided, single submitter. Criteria: Invitae Variant Classification Sherloc (09022015). Collection method: clinical testing. Allele origin: germline.
Comment: This variant is not present in population databases (ExAC no frequency). This sequence change creates a premature translational stop signal (p.Pro441Leufs*10) in the APC gene. It is expected to result in an absent or disrupted protein product. Loss-of-function variants in APC are known to be pathogenic (PMID: 17963004, 20685668). For these reasons, this variant has been classified as Pathogenic. This variant has not been reported in the literature in individuals with APC-related conditions.

Literature cited by the submitters: PubMed 17963004; PubMed 20685668.